The following is an entry in ClinVar:

ClinVar aggregate classification (germline): Likely benign. Review status: criteria provided, multiple submitters, no conflicts (2 of 4 stars). 5 submissions from 5 submitters: Likely benign (4). 1 of the submissions does not count toward it. Last evaluated 2026-01-14.

Conditions:
Inborn genetic diseases. Identifiers: MedGen C0950123, MeSH D030342.
Hereditary insensitivity to pain with anhidrosis (CIPA). Also called: NTRK1 Congenital Insensitivity to Pain with Anhidrosis; HSAN Type IV; INSENSITIVITY TO PAIN, CONGENITAL, WITH ANHIDROSIS; NEUROPATHY, CONGENITAL SENSORY, WITH ANHIDROSIS; FAMILIAL DYSAUTONOMIA, TYPE II; hereditary sensory and autonomic neuropathy type 4. Identifiers: Orphanet 642, MedGen C0020074, MONDO:0009746, OMIM 256800.

Allele frequency attached by ClinVar (database versions not stated): gnomAD exomes 0.00004 and 0.00018; TOPMed 0.00005; gnomAD 0.00009 and 0.00010; 1000 Genomes Project 0.00020; 1000 Genomes Project 30x 0.00031; ExAC 0.00041.
gnomAD v4.1: 74 of 1,551,922 alleles (0.0048%); highest among the groups gnomAD compares: East Asian, 0.061%; no homozygotes.

Submissions (5):

Labcorp Genetics (formerly Invitae), Labcorp
Classification: Likely benign for Hereditary insensitivity to pain with anhidrosis. Last evaluated: 2026-01-14. Review status: criteria provided, single submitter. Criteria: Invitae Variant Classification Sherloc (09022015). Collection method: clinical testing. Allele origin: germline.

Ambry Genetics
Classification: Likely benign for Inborn genetic diseases. Last evaluated: 2023-11-09. Review status: criteria provided, single submitter. Criteria: Ambry Variant Classification Scheme 2023. Collection method: clinical testing. Allele origin: germline.

Genome-Nilou Lab
Classification: Likely benign for Hereditary insensitivity to pain with anhidrosis. Last evaluated: 2023-04-11. Review status: criteria provided, single submitter. Criteria: ACMG Guidelines, 2015. Collection method: clinical testing. Allele origin: germline. Affected: no.

CeGaT Center for Human Genetics Tuebingen
Classification: Likely benign. Last evaluated: 2022-06-01. Review status: criteria provided, single submitter. Criteria: CeGaT Center For Human Genetics Tuebingen Variant Classification Criteria Version 2. Collection method: clinical testing. Allele origin: germline. Affected: yes. Observed: 1 variant allele.
Comment: NTRK1: BP4

Natera, Inc.
Classification: Uncertain significance for Hereditary insensitivity to pain with anhidrosis. Last evaluated: 2020-09-16. Review status: no assertion criteria provided. Collection method: clinical testing. Allele origin: germline. Not counted in ClinVar's aggregate classification.

NM_002529.4(NTRK1):c.659G>A (p.Arg220Gln)

Gene: NTRK1 (neurotrophic receptor tyrosine kinase 1; plus strand). Cytogenetic location: 1q23.1.
Variant type: single nucleotide variant.
Coding change: c.659G>A on transcript NM_002529.4 (MANE Select); coding-DNA position 659, G replaced by A.
Protein change: p.Arg220Gln; replaces arginine 220 with glutamine.
Molecular consequence: missense variant.
Genome position (GRCh38, 1-based): chr1:156,868,589, G>A. VCF-style: chr1-156868589-G-A. GRCh37 (hg19) VCF-style: chr1-156838381-G-A.
Other names: c.569G>A, p.Arg190Gln (NM_001007792.1); c.659G>A, p.Arg220Gln (NM_001012331.2); short protein forms R190Q, R220Q.
Identifiers: ClinVar variation 577725 (VCV000577725.42), dbSNP rs540751200, ClinGen allele CA1169066.